The following is an entry in ClinVar:

NM_005751.5(AKAP9):c.9113G>A (p.Arg3038His)

Gene: AKAP9 (A-kinase anchoring protein 9; plus strand). Cytogenetic location: 7q21.2.
Variant type: single nucleotide variant.
Coding change: c.9113G>A on transcript NM_005751.5 (MANE Select); coding-DNA position 9113, G replaced by A.
Protein change: p.Arg3038His; replaces arginine 3038 with histidine.
Molecular consequence: missense variant.
Genome position (GRCh38, 1-based): chr7:92,086,316, G>A. VCF-style: chr7-92086316-G-A. GRCh37 (hg19) VCF-style: chr7-91715630-G-A.
Other names: c.3758G>A, p.Arg1253His (NM_001379277.1); c.9089G>A, p.Arg3030His (NM_147185.3); short protein forms R3030H, R3038H, R1253H.
Identifiers: ClinVar variation 654317 (VCV000654317.10), dbSNP rs756856124, ClinGen allele CA4337661.

ClinVar aggregate classification (germline): Uncertain significance. Review status: criteria provided, multiple submitters, no conflicts (2 of 4 stars). 2 submissions from 2 submitters: Uncertain significance (2). Last evaluated 2026-01-13.

Conditions:
Long QT syndrome (LQTS). Identifiers: MedGen C0023976, MeSH D008133, MONDO:0002442. Disease mechanism: loss of function. Inheritance: Various modes of inheritance.
Cardiovascular phenotype. Identifiers: MedGen CN230736.

Allele frequency attached by ClinVar (database versions not stated): ExAC 0.00006; gnomAD exomes 0.00010; gnomAD 0.00016 and 0.00017; TOPMed 0.00018.
gnomAD v4.1: 79 of 1,614,106 alleles (0.0049%); highest among the groups gnomAD compares: Admixed American, 0.06%; no homozygotes.

Submissions (2):

Labcorp Genetics (formerly Invitae), Labcorp
Classification: Uncertain significance for Long QT syndrome. Last evaluated: 2026-01-13. Review status: criteria provided, single submitter. Criteria: Invitae Variant Classification Sherloc (09022015). Collection method: clinical testing. Allele origin: germline.
Comment: This sequence change replaces arginine, which is basic and polar, with histidine, which is basic and polar, at codon 3038 of the AKAP9 protein (p.Arg3038His). This variant is present in population databases (rs756856124, gnomAD 0.05%). This variant has not been reported in the literature in individuals affected with AKAP9-related conditions. ClinVar contains an entry for this variant (Variation ID: 654317). An algorithm developed to predict the effect of missense changes on protein structure and function outputs the following: PolyPhen-2: "Benign". The histidine amino acid residue is found in multiple mammalian species, which suggests that this missense change does not adversely affect protein function. In summary, the available evidence is currently insufficient to determine the role of this variant in disease. Therefore, it has been classified as a Variant of Uncertain Significance.

Ambry Genetics
Classification: Uncertain significance for Cardiovascular phenotype. Last evaluated: 2020-03-18. Review status: criteria provided, single submitter. Criteria: Ambry Variant Classification Scheme 2023. Collection method: clinical testing. Allele origin: germline.
Comment: The p.R3038H variant (also known as c.9113G>A), located in coding exon 37 of the AKAP9 gene, results from a G to A substitution at nucleotide position 9113. The arginine at codon 3038 is replaced by histidine, an amino acid with highly similar properties. This amino acid position is not well conserved in available vertebrate species, and histidine is the reference amino acid in other vertebrate species. In addition, this alteration is predicted to be tolerated by in silico analysis. Since supporting evidence is limited at this time, the clinical significance of this alteration remains unclear.